The following is an entry in ClinVar:

NM_170754.4(TNS2):c.3639C>G (p.Ile1213Met)

Gene: TNS2 (tensin 2; plus strand). Cytogenetic location: 12q13.13.
Variant type: single nucleotide variant.
Coding change: c.3639C>G on transcript NM_170754.4 (MANE Select); coding-DNA position 3639, C replaced by G.
Protein change: p.Ile1213Met; replaces isoleucine 1213 with methionine.
Molecular consequence: missense variant.
Genome position (GRCh38, 1-based): chr12:53,062,217, C>G. VCF-style: chr12-53062217-C-G. GRCh37 (hg19) VCF-style: chr12-53456001-C-G.
Other names: c.3669C>G (NM_015319.2); c.3639C>G, p.Ile1213Met (NM_001416202.1); c.3597C>G, p.Ile1199Met (NM_001416203.1); c.3666C>G, p.Ile1222Met (NM_001416204.1); c.3570C>G, p.Ile1190Met (NM_015319.3); c.3267C>G, p.Ile1089Met (NM_198316.2); short protein forms I1222M, I1089M, I1190M, I1199M, I1213M.
Identifiers: ClinVar variation 3611806 (VCV003611806.3).
Genomic context (GRCh38, chr12:53,062,217, plus strand): 5'-CCCCGTGGAACAGCTGGTCCGCCATTTCCTCATCGAGACTGGGCCCAAAGGGGTGAAGAT[C>G]AAGGGCTGCCCCAGTGAGCCCTACTTTGGTGAGAAGCAGGAGCCTGGGGAAGGCTACGTT-3'
Protein context (NP_736610.2, residues 1203-1223): LIETGPKGVK[Ile1213Met]KGCPSEPYFG

ClinVar aggregate classification (germline): Uncertain significance. Review status: criteria provided, multiple submitters, no conflicts (2 of 4 stars). 2 submissions from 2 submitters: Uncertain significance (2). Last evaluated 2024-12-28.

gnomAD v4.1: 39 of 1,613,980 alleles (0.0024%); highest among the groups gnomAD compares: Non-Finnish European, 0.0033%; no homozygotes.

Submissions (2):

Ambry Genetics
Classification: Uncertain significance. Last evaluated: 2024-12-28. Review status: criteria provided, single submitter. Criteria: Ambry Variant Classification Scheme 2023. Collection method: clinical testing. Allele origin: germline.

Labcorp Genetics (formerly Invitae), Labcorp
Classification: Uncertain significance. Last evaluated: 2024-10-15. Review status: criteria provided, single submitter. Criteria: Invitae Variant Classification Sherloc (09022015). Collection method: clinical testing. Allele origin: germline.
Comment: This sequence change replaces isoleucine, which is neutral and non-polar, with methionine, which is neutral and non-polar, at codon 1223 of the TNS2 protein (p.Ile1223Met). This variant is present in population databases (rs752106844, gnomAD 0.003%). This variant has not been reported in the literature in individuals affected with TNS2-related conditions. An algorithm developed to predict the effect of missense changes on protein structure and function (PolyPhen-2) suggests that this variant is likely to be disruptive. In summary, the available evidence is currently insufficient to determine the role of this variant in disease. Therefore, it has been classified as a Variant of Uncertain Significance.